The following is an entry in ClinVar:

NM_001130987.2(DYSF):c.690C>T (p.Pro230=)

Gene: DYSF (dysferlin; plus strand). Cytogenetic location: 2p13.2.
Variant type: single nucleotide variant.
Coding change: c.690C>T on transcript NM_001130987.2 (MANE Select); coding-DNA position 690, C replaced by T.
Protein change: p.Pro230=; no amino-acid change (proline 230 retained).
Molecular consequence: synonymous variant.
Genome position (GRCh38, 1-based): chr2:71,513,852, C>T. VCF-style: chr2-71513852-C-T. GRCh37 (hg19) VCF-style: chr2-71740982-C-T.
Other names: p.Pro198=; c.597C>T, p.Pro199= (NM_001130455.2, NM_001130983.2, NM_001130984.2 and 1 more transcripts); c.594C>T, p.Pro198= (NM_001130976.2, NM_001130977.2, NM_001130978.2 and 1 more transcripts); c.687C>T, p.Pro229= (NM_001130979.2, NM_001130980.2, NM_001130981.2); c.690C>T, p.Pro230= (NM_001130982.2, NM_001130985.2).
Identifiers: ClinVar variation 259084 (VCV000259084.21), dbSNP rs376293526, ClinGen allele CA1705418.

ClinVar aggregate classification (germline): Conflicting classifications of pathogenicity. Review status: criteria provided, conflicting classifications (1 of 4 stars). 7 submissions from 7 submitters: Uncertain significance (1); Likely benign (5). 1 of the submissions does not count toward it. Last evaluated 2026-02-02.

Conditions:
Neuromuscular disease caused by qualitative or quantitative defects of dysferlin. Also called: Dysferlinopathy; Qualitative or quantitative defects of dysferlin. Identifiers: Orphanet 207073, MedGen C2931687, MONDO:0016145.
Autosomal recessive limb-girdle muscular dystrophy type 2B (LGMDR2). Also called: MUSCULAR DYSTROPHY, LIMB-GIRDLE, TYPE 3; MUSCULAR DYSTROPHY, LIMB-GIRDLE, AUTOSOMAL RECESSIVE 2; Limb-girdle muscular dystrophy, type 2B; Limb-Girdle Muscular Dystrophy Type 2B (LGMD2B). Identifiers: Orphanet 268, MedGen C1850889, MONDO:0009676, OMIM 253601.

Allele frequency attached by ClinVar (database versions not stated): ESP Exome Variant Server 0.00008; gnomAD exomes 0.00008 and 0.00017; gnomAD 0.00009; ExAC 0.00019; TOPMed 0.00019.
gnomAD v4.1: 128 of 1,614,110 alleles (0.0079%); highest among the groups gnomAD compares: East Asian, 0.094%; no homozygotes.

Submissions (7):

Labcorp Genetics (formerly Invitae), Labcorp
Classification: Likely benign for Neuromuscular disease caused by qualitative or quantitative defects of dysferlin. Last evaluated: 2026-02-02. Review status: criteria provided, single submitter. Criteria: Invitae Variant Classification Sherloc (09022015). Collection method: clinical testing. Allele origin: germline.

Mayo Clinic Laboratories, Mayo Clinic
Classification: Likely benign. Last evaluated: 2025-05-06. Review status: criteria provided, single submitter. Criteria: ACMG Guidelines, 2015. Collection method: clinical testing. Allele origin: germline. Observed: 1 variant allele.
Comment: BP4, BP7

Blueprint Genetics
Classification: Likely benign. Last evaluated: 2024-08-20. Review status: criteria provided, single submitter. Criteria: ACMG Guidelines, 2015. Collection method: clinical testing. Allele origin: germline.

GeneDx
Classification: Likely benign. Last evaluated: 2018-04-13. Review status: criteria provided, single submitter. Criteria: GeneDx Variant Classification (06012015). Collection method: clinical testing. Allele origin: germline. Affected: yes.
Comment: This variant is considered likely benign or benign based on one or more of the following criteria: it is a conservative change, it occurs at a poorly conserved position in the protein, it is predicted to be benign by multiple in silico algorithms, and/or has population frequency not consistent with disease.

Eurofins Ntd Llc (ga)
Classification: Uncertain significance. Last evaluated: 2015-11-24. Review status: criteria provided, single submitter. Criteria: EGL Classification Definitions 2015. Collection method: clinical testing. Allele origin: germline. Observed: 1 variant allele, 1 heterozygote.

PreventionGenetics, part of Exact Sciences
Classification: Likely benign. Review status: criteria provided, single submitter. Criteria: ACMG Guidelines, 2015. Collection method: clinical testing. Allele origin: germline.

Natera, Inc.
Classification: Likely benign for Limb-girdle muscular dystrophy type 2B. Last evaluated: 2020-09-16. Review status: no assertion criteria provided. Collection method: clinical testing. Allele origin: germline. Not counted in ClinVar's aggregate classification.